The following is an entry in ClinVar:

NM_013275.6(ANKRD11):c.2256_2257del (p.Pro753fs)

Gene: ANKRD11 (ankyrin repeat domain containing 11; minus strand). Cytogenetic location: 16q24.3.
Variant type: Microsatellite.
Coding change: c.2256_2257del on transcript NM_013275.6 (MANE Select); coding-DNA positions 2256 to 2257, 2 bases deleted (TC; older notation c.2256_2257delTC).
Protein change: p.Pro753fs; shifts the reading frame from proline 753.
Molecular consequence: frameshift variant.
Genome position (GRCh38, 1-based): chr16:89,284,285-89,284,286, GA deleted on the plus strand (TC on the coding strand, the reverse complement: ANKRD11 is on the minus strand); deleting any 2 consecutive bases within chr16:89,284,285-89,284,288 gives the same sequence; the c. name uses the placement nearest the transcript's 3' end. VCF-style (leftmost placement, unchanged base first): chr16-89284284-GGA-G. GRCh37 (hg19) VCF-style: chr16-89350692-GGA-G.
Other names: c.2256_2257del, p.Pro753fs (NM_001256182.2, NM_001256183.2); short protein forms P753fs.
Identifiers: ClinVar variation 3769902 (VCV003769902.1).
Genomic context (GRCh38, chr16:89,284,284, plus strand): 5'-GGCCGGTCTTTTGATTTCTTCTTTCTCTCCTCTTTGTACAGTCTCAGTTTTTCTTCTTTC[GGA>G]GACTTTTCCTTCAGCGATCTCTCCTTTTCTGCTTTATTCGAACGGTCTTTCTCTTCTCGG-3'

ClinVar aggregate classification (germline): Pathogenic (1 of 4 stars; one submission).

Submission:

GeneDx
Classification: Pathogenic. Last evaluated: 2024-09-16. Review status: criteria provided, single submitter. Criteria: GeneDx Variant Classification Process June 2021. Collection method: clinical testing. Allele origin: germline. Affected: yes.
Comment: Frameshift variant predicted to result in protein truncation or nonsense mediated decay in a gene for which loss of function is a known mechanism of disease; Not observed at significant frequency in large population cohorts (gnomAD); This variant is associated with the following publications: (PMID: 37377026)